The following is an entry in ClinVar:

ClinVar aggregate classification (germline): Uncertain significance (1 of 4 stars; one submission).

Conditions:
Inborn genetic diseases. Identifiers: MedGen C0950123, MeSH D030342.

Allele frequency attached by ClinVar (database versions not stated): TOPMed below 0.00001.
gnomAD v4.1: 1 of 1,614,074 alleles (0.000062%); highest among the groups gnomAD compares: Non-Finnish European, 0.000085%; no homozygotes.

Submission:

Ambry Genetics
Classification: Uncertain significance for Inborn genetic diseases. Last evaluated: 2023-12-08. Review status: criteria provided, single submitter. Criteria: Ambry Variant Classification Scheme 2023. Collection method: clinical testing. Allele origin: germline.
Comment: The p.M595V variant (also known as c.1783A>G), located in coding exon 15 of the LRRK2 gene, results from an A to G substitution at nucleotide position 1783. The methionine at codon 595 is replaced by valine, an amino acid with highly similar properties. This amino acid position is conserved. In addition, the in silico prediction for this alteration is inconclusive. Since supporting evidence is limited at this time, the clinical significance of this alteration remains unclear.

NM_198578.4(LRRK2):c.1783A>G (p.Met595Val)

Gene: LRRK2 (leucine rich repeat kinase 2; plus strand). Cytogenetic location: 12q12.
Variant type: single nucleotide variant.
Coding change: c.1783A>G on transcript NM_198578.4 (MANE Select); coding-DNA position 1783, A replaced by G.
Protein change: p.Met595Val; replaces methionine 595 with valine.
Molecular consequence: missense variant.
Genome position (GRCh38, 1-based): chr12:40,274,709, A>G. VCF-style: chr12-40274709-A-G. GRCh37 (hg19) VCF-style: chr12-40668511-A-G.
Other names: short protein forms M595V.
Identifiers: ClinVar variation 1780044 (VCV001780044.2), dbSNP rs1943375669, ClinGen allele CA384403247.